The following is an entry in ClinVar:

NM_024675.4(PALB2):c.1004A>G (p.Asn335Ser)

Gene: PALB2 (partner and localizer of BRCA2; minus strand). Cytogenetic location: 16p12.2.
Variant type: single nucleotide variant.
Coding change: c.1004A>G on transcript NM_024675.4 (MANE Select); coding-DNA position 1004, A replaced by G.
Protein change: p.Asn335Ser; replaces asparagine 335 with serine.
Molecular consequence: missense variant.
Genome position (GRCh38, 1-based): chr16:23,635,542, T>C on the plus strand (A>G on the coding strand, the complement: PALB2 is on the minus strand). VCF-style: chr16-23635542-T-C. GRCh37 (hg19) VCF-style: chr16-23646863-T-C.
Other names: short protein forms N335S.
Identifiers: ClinVar variation 460869 (VCV000460869.23), dbSNP rs1368473544, ClinGen allele CA395134568.

ClinVar aggregate classification (germline): Conflicting classifications of pathogenicity. Review status: criteria provided, conflicting classifications (1 of 4 stars). 4 submissions from 4 submitters: Uncertain significance (3); Likely benign (1). Last evaluated 2025-10-26.

Conditions:
Familial cancer of breast. Also called: BREAST CANCER, FAMILIAL; Hereditary breast cancer; hereditary breast carcinoma. Identifiers: Orphanet 227535, MedGen C0346153, MONDO:0016419, OMIM 114480. Disease mechanism: loss of function.
Hereditary cancer-predisposing syndrome. Also called: Neoplastic Syndromes, Hereditary; Hereditary Cancer Syndrome; Hereditary neoplastic syndrome; Tumor predisposition. Identifiers: Orphanet 140162, MedGen C0027672, MeSH D009386, MONDO:0015356.

Allele frequency attached by ClinVar (database versions not stated): gnomAD exomes below 0.00001; TOPMed below 0.00001; gnomAD 0.00001 and 0.00002.
gnomAD v4.1: 4 of 1,613,404 alleles (0.00025%); highest among the groups gnomAD compares: African/African-American, 0.0013%; no homozygotes.

Submissions (4):

Labcorp Genetics (formerly Invitae), Labcorp
Classification: Uncertain significance for Familial cancer of breast. Last evaluated: 2025-10-26. Review status: criteria provided, single submitter. Criteria: Invitae Variant Classification Sherloc (09022015). Collection method: clinical testing. Allele origin: germline.
Comment: This sequence change replaces asparagine, which is neutral and polar, with serine, which is neutral and polar, at codon 335 of the PALB2 protein (p.Asn335Ser). This variant is present in population databases (no rsID available, gnomAD 0.004%). This variant has not been reported in the literature in individuals affected with PALB2-related conditions. ClinVar contains an entry for this variant (Variation ID: 460869). Invitae Evidence Modeling of protein sequence and biophysical properties (such as structural, functional, and spatial information, amino acid conservation, physicochemical variation, residue mobility, and thermodynamic stability) indicates that this missense variant is not expected to disrupt PALB2 protein function with a negative predictive value of 80%. In summary, the available evidence is currently insufficient to determine the role of this variant in disease. Therefore, it has been classified as a Variant of Uncertain Significance.

Ambry Genetics
Classification: Likely benign for Hereditary cancer-predisposing syndrome. Last evaluated: 2024-12-05. Review status: criteria provided, single submitter. Criteria: Ambry Variant Classification Scheme 2023. Collection method: clinical testing. Allele origin: germline.

GeneDx
Classification: Uncertain significance. Last evaluated: 2024-01-08. Review status: criteria provided, single submitter. Criteria: GeneDx Variant Classification Process June 2021. Collection method: clinical testing. Allele origin: germline. Affected: yes.
Comment: Not observed at significant frequency in large population cohorts (gnomAD); In silico analysis supports that this missense variant does not alter protein structure/function; Has not been previously published as pathogenic or benign to our knowledge

Color Diagnostics, LLC DBA Color Health
Classification: Uncertain significance for Hereditary cancer-predisposing syndrome. Last evaluated: 2023-12-05. Review status: criteria provided, single submitter. Criteria: ACMG Guidelines, 2015. Collection method: clinical testing. Allele origin: germline.
Comment: This missense variant replaces asparagine with serine at codon 335 of the PALB2 protein. Computational prediction suggests that this variant may not impact protein structure and function (internally defined REVEL score threshold <= 0.5, PMID: 27666373). To our knowledge, functional studies have not been reported for this variant. This variant has not been reported in individuals affected with PALB2-related disorders in the literature. This variant has been identified in 2/282358 chromosomes in the general population by the Genome Aggregation Database (gnomAD). The available evidence is insufficient to determine the role of this variant in disease conclusively. Therefore, this variant is classified as a Variant of Uncertain Significance.